The following is an entry in ClinVar:

ClinVar aggregate classification (germline): Uncertain significance. Review status: criteria provided, multiple submitters, no conflicts (2 of 4 stars). 3 submissions from 3 submitters: Uncertain significance (3). Last evaluated 2025-12-23.

Conditions:
RLBP1-related disorder. Also called: RLBP1-related disorders; RLBP1-related condition. Identifiers: MedGen CN239413.
Inborn genetic diseases. Identifiers: MedGen C0950123, MeSH D030342.

gnomAD v4.1: 5 of 1,614,156 alleles (0.00031%); highest among the groups gnomAD compares: Admixed American, 0.0083%; no homozygotes.

Submissions (3):

PreventionGenetics, part of Exact Sciences
Classification: Uncertain significance for RLBP1-related condition. Last evaluated: 2025-12-23. Review status: criteria provided, single submitter. Criteria: ACMG Guidelines, 2015. Collection method: clinical testing. Allele origin: germline.
Comment: The RLBP1 c.419T>G variant is predicted to result in the amino acid substitution p.Ile140Ser. To our knowledge, this variant has not been reported in the literature. This variant is reported in 0.014% of alleles in individuals of Latino descent in gnomAD. At this time, the clinical significance of this variant is uncertain due to the absence of conclusive functional and genetic evidence.

Labcorp Genetics (formerly Invitae), Labcorp
Classification: Uncertain significance. Last evaluated: 2025-03-12. Review status: criteria provided, single submitter. Criteria: Invitae Variant Classification Sherloc (09022015). Collection method: clinical testing. Allele origin: germline.
Comment: This sequence change replaces isoleucine, which is neutral and non-polar, with serine, which is neutral and polar, at codon 140 of the RLBP1 protein (p.Ile140Ser). This variant is present in population databases (rs750679782, gnomAD 0.01%). This variant has not been reported in the literature in individuals affected with RLBP1-related conditions. ClinVar contains an entry for this variant (Variation ID: 1002021). Invitae Evidence Modeling of protein sequence and biophysical properties (such as structural, functional, and spatial information, amino acid conservation, physicochemical variation, residue mobility, and thermodynamic stability) has been performed for this missense variant. However, the output from this modeling did not meet the statistical confidence thresholds required to predict the impact of this variant on RLBP1 protein function. In summary, the available evidence is currently insufficient to determine the role of this variant in disease. Therefore, it has been classified as a Variant of Uncertain Significance.

Ambry Genetics
Classification: Uncertain significance for Inborn genetic diseases. Last evaluated: 2024-06-07. Review status: criteria provided, single submitter. Criteria: Ambry Variant Classification Scheme 2023. Collection method: clinical testing. Allele origin: germline.

NM_000326.5(RLBP1):c.419T>G (p.Ile140Ser)

Gene: RLBP1 (retinaldehyde binding protein 1; minus strand). Cytogenetic location: 15q26.1.
Variant type: single nucleotide variant.
Coding change: c.419T>G on transcript NM_000326.5 (MANE Select); coding-DNA position 419, T replaced by G.
Protein change: p.Ile140Ser; replaces isoleucine 140 with serine.
Molecular consequence: missense variant.
Genome position (GRCh38, 1-based): chr15:89,215,166, A>C on the plus strand (T>G on the coding strand, the complement: RLBP1 is on the minus strand). VCF-style: chr15-89215166-A-C. GRCh37 (hg19) VCF-style: chr15-89758397-A-C.
Other names: c.419T>G (NM_000326.4); short protein forms I140S.
Identifiers: ClinVar variation 1002021 (VCV001002021.12), dbSNP rs750679782, ClinGen allele CA7722288.
Genomic context (GRCh38, chr15:89,215,166, plus strand): 5'-AGCATGACCACTCGGCCATACTTGTCCCGACTAGAGAGGACACCAGGGTAGCCAGCTTCA[A>C]TGGTGCAGCGGACAGCCTCTGGGGACAGGCTGTCAAAGAGCTCAGGGTACTGCAGCCGGA-3'
Protein context (NP_000317.1, residues 130-150): SLSPEAVRCT[Ile140Ser]EAGYPGVLSS